The following is an entry in ClinVar:

NM_198503.5(KCNT2):c.796G>C (p.Ala266Pro)

Gene: KCNT2 (potassium sodium-activated channel subfamily T member 2; minus strand). Cytogenetic location: 1q31.3.
Variant type: single nucleotide variant.
Coding change: c.796G>C on transcript NM_198503.5 (MANE Select); coding-DNA position 796, G replaced by C.
Protein change: p.Ala266Pro; replaces alanine 266 with proline.
Molecular consequence: missense variant. On other transcripts: non-coding transcript variant (2).
Genome position (GRCh38, 1-based): chr1:196,429,600, C>G on the plus strand (G>C on the coding strand, the complement: KCNT2 is on the minus strand). VCF-style: chr1-196429600-C-G. GRCh37 (hg19) VCF-style: chr1-196398730-C-G.
Other names: c.796G>C, p.Ala266Pro (NM_001287819.3, NM_001287820.3); short protein forms A266P.
Identifiers: ClinVar variation 3603208 (VCV003603208.1).

ClinVar aggregate classification (germline): Uncertain significance (1 of 4 stars; one submission).

Submission:

GeneDx
Classification: Uncertain significance. Last evaluated: 2024-08-05. Review status: criteria provided, single submitter. Criteria: GeneDx Variant Classification Process June 2021. Collection method: clinical testing. Allele origin: germline. Affected: yes.
Comment: Not observed at significant frequency in large population cohorts (gnomAD); In silico analysis supports that this missense variant has a deleterious effect on protein structure/function; Has not been previously published as pathogenic or benign to our knowledge